The following is an entry in ClinVar:

NM_016180.5(SLC45A2):c.274A>G (p.Ser92Gly)

Gene: SLC45A2 (solute carrier family 45 member 2; minus strand). Cytogenetic location: 5p13.2.
Variant type: single nucleotide variant.
Coding change: c.274A>G on transcript NM_016180.5 (MANE Select); coding-DNA position 274, A replaced by G.
Protein change: p.Ser92Gly; replaces serine 92 with glycine.
Molecular consequence: missense variant.
Genome position (GRCh38, 1-based): chr5:33,984,310, T>C on the plus strand (A>G on the coding strand, the complement: SLC45A2 is on the minus strand). VCF-style: chr5-33984310-T-C. GRCh37 (hg19) VCF-style: chr5-33984415-T-C.
Other names: c.274A>G, p.Ser92Gly (NM_001012509.4, NM_001297417.4); c.274A>G (NM_016180.3, NM_016180.4); short protein forms S92G.
Identifiers: ClinVar variation 1476655 (VCV001476655.15), dbSNP rs755311638, ClinGen allele CA3225837.

ClinVar aggregate classification (germline): Conflicting classifications of pathogenicity. Review status: criteria provided, conflicting classifications (1 of 4 stars). 7 submissions from 7 submitters: Pathogenic (1); Likely pathogenic (4); Uncertain significance (2). Last evaluated 2025-11-18.

Conditions:
SKIN/HAIR/EYE PIGMENTATION 5, BLACK/NONBLACK HAIR (SHEP5). Also called: SKIN/HAIR/EYE PIGMENTATION, VARIATION IN, 5; SKIN/HAIR/EYE PIGMENTATION 5, DARK/FAIR SKIN; SKIN/HAIR/EYE PIGMENTATION 5, DARK/LIGHT EYES. Identifiers: MedGen C2673584, OMIM 227240.
Oculocutaneous albinism type 4 (OCA4). Also called: Albinism, oculocutaneous, type IV. Identifiers: Orphanet 79435, MedGen C1847836, MONDO:0011683, OMIM 606574.
SLC45A2-related disorder. Also called: SLC45A2-related condition.

Allele frequency attached by ClinVar (database versions not stated): TOPMed 0.00002; ExAC 0.00002; gnomAD exomes 0.00004 and 0.00003; gnomAD 0.00001.
gnomAD v4.1: 64 of 1,613,978 alleles (0.004%); highest among the groups gnomAD compares: Middle Eastern, 0.016%; no homozygotes.

Submissions (7):

GeneDx
Classification: Uncertain significance. Last evaluated: 2025-11-18. Review status: criteria provided, single submitter. Criteria: GeneDx Variant Classification Process June 2021. Collection method: clinical testing. Allele origin: germline.
Comment: Identified in the heterozygous state in a patient with features of oculocutaneous albinisim but without a second variant identified in the SLC45A2 gene (PMID: 27734839); In silico analysis supports that this missense variant has a deleterious effect on protein structure/function; This variant is associated with the following publications: (PMID: 34426522, 27734839)

Labcorp Genetics (formerly Invitae), Labcorp
Classification: Pathogenic. Last evaluated: 2025-09-08. Review status: criteria provided, single submitter. Criteria: Invitae Variant Classification Sherloc (09022015). Collection method: clinical testing. Allele origin: germline.
Comment: This sequence change replaces serine, which is neutral and polar, with glycine, which is neutral and non-polar, at codon 92 of the SLC45A2 protein (p.Ser92Gly). This variant is present in population databases (rs755311638, gnomAD 0.01%). This missense change has been observed in individual(s) with ocular albinism (PMID: 27734839; internal data). In at least one individual the data is consistent with being in trans (on the opposite chromosome) from a pathogenic variant. ClinVar contains an entry for this variant (Variation ID: 1476655). Invitae Evidence Modeling of protein sequence and biophysical properties (such as structural, functional, and spatial information, amino acid conservation, physicochemical variation, residue mobility, and thermodynamic stability) indicates that this missense variant is expected to disrupt SLC45A2 protein function with a positive predictive value of 80%. This variant disrupts the p.Ser92 amino acid residue in SLC45A2. Other variant(s) that disrupt this residue have been observed in individuals with SLC45A2-related conditions (PMID: 34838614), which suggests that this may be a clinically significant amino acid residue. For these reasons, this variant has been classified as Pathogenic.

Institute of Immunology and Genetics Kaiserslautern
Classification: Uncertain significance for Oculocutaneous albinism type 4. Last evaluated: 2025-06-04. Review status: criteria provided, single submitter. Criteria: ACMG Guidelines, 2015. Collection method: clinical testing. Allele origin: germline. Affected: yes.
Comment: ACMG Criteria: PM2_P, PP3; Variant was found in heterozygous state together with the heterozygous variant NM_016180.5:c.310C>T

3billion
Classification: Likely pathogenic for Oculocutaneous albinism type 4. Last evaluated: 2024-07-01. Review status: criteria provided, single submitter. Criteria: ACMG Guidelines, 2015. Collection method: clinical testing. Allele origin: germline. Affected: yes.
Comment: The variant is observed at an extremely low frequency in the gnomAD v4.0.0 dataset (total allele frequency: 0.004%). Predicted Consequence/Location: Missense variant In silico tool predictions suggest damaging effect of the variant on gene or gene product [REVEL: 0.95 (>=0.6, sensitivity 0.68 and specificity 0.92)]. The same nucleotide change resulting in the same amino acid change has been previously reported as pathogenic/likely pathogenic with strong evidence (ClinVar ID: VCV001476655 /PMID: 27734839). Different missense changes at the same codon (p.Ser92Arg, p.Ser92Asn) have been reported to be associated with SLC45A2 related disorder (PMID: 34838614). Therefore, this variant is classified as Likely pathogenic according to the recommendation of ACMG/AMP guideline.

Fulgent Genetics
Classification: Likely pathogenic for SKIN/HAIR/EYE PIGMENTATION 5, BLACK/NONBLACK HAIR; Oculocutaneous albinism type 4. Last evaluated: 2024-06-18. Review status: criteria provided, single submitter. Criteria: ACMG Guidelines, 2015. Collection method: clinical testing. Allele origin: germline.

PreventionGenetics, part of Exact Sciences
Classification: Likely pathogenic for SLC45A2-related condition. Last evaluated: 2023-09-11. Review status: criteria provided, single submitter. Criteria: ACMG Guidelines, 2015. Collection method: clinical testing. Allele origin: germline.
Comment: The SLC45A2 c.274A>G variant is predicted to result in the amino acid substitution p.Ser92Gly. This variant has been reported in the absence of a second SLC45A2 variant in an individual with oculocutaneous albinism (Mauri et al. 2017. PubMed ID: 27734839). An alternate substitution of this amino acid (p.Ser92Arg) has been reported along with a second SLC45A2 variant in an individual with oculocutaneous albinism (patient 958 in Table S1 in Wei et al. 2022. PubMed ID: 34838614). This c.274A>G (p.Ser92Gly) variant is reported in 0.0097% of alleles in individuals of Ashkenazi Jewish descent in gnomAD. Given the evidence, we interpret this variant as likely pathogenic.

Blueprint Genetics
Classification: Likely pathogenic for SLC45A2-related disorders. Last evaluated: 2023-08-24. Review status: criteria provided, single submitter. Criteria: ACMG Guidelines, 2015. Collection method: clinical testing. Allele origin: germline. Affected: yes. Observed: 5 variant alleles.

Literature cited by the submitters: PubMed 27734839 (cited by Labcorp Genetics (formerly Invitae), Labcorp and 3billion); PubMed 34838614 (cited by Labcorp Genetics (formerly Invitae), Labcorp and 3billion).